The following is an entry in ClinVar:

ClinVar aggregate classification (germline): Uncertain significance (1 of 4 stars; one submission).

Submission:

Labcorp Genetics (formerly Invitae), Labcorp
Classification: Uncertain significance. Last evaluated: 2024-09-09. Review status: criteria provided, single submitter. Criteria: Invitae Variant Classification Sherloc (09022015). Collection method: clinical testing. Allele origin: germline.
Comment: This sequence change replaces glutamic acid, which is acidic and polar, with valine, which is neutral and non-polar, at codon 799 of the CTNNA1 protein (p.Glu799Val). This variant is not present in population databases (gnomAD no frequency). This variant has not been reported in the literature in individuals affected with CTNNA1-related conditions. An algorithm developed to predict the effect of missense changes on protein structure and function (PolyPhen-2) suggests that this variant is likely to be tolerated. In summary, the available evidence is currently insufficient to determine the role of this variant in disease. Therefore, it has been classified as a Variant of Uncertain Significance.

NM_001903.5(CTNNA1):c.2396A>T (p.Glu799Val)

Gene: CTNNA1 (catenin alpha 1; plus strand). Cytogenetic location: 5q31.2.
Variant type: single nucleotide variant.
Coding change: c.2396A>T on transcript NM_001903.5 (MANE Select); coding-DNA position 2396, A replaced by T.
Protein change: p.Glu799Val; replaces glutamic acid 799 with valine.
Molecular consequence: missense variant. On other transcripts: intron variant (1).
Genome position (GRCh38, 1-based): chr5:138,932,675, A>T. VCF-style: chr5-138932675-A-T. GRCh37 (hg19) VCF-style: chr5-138268364-A-T.
Other names: c.2396A>T, p.Glu799Val (NM_001290307.3, NM_001323982.2, NM_001323983.1 and 2 more transcripts); c.2087A>T, p.Glu696Val (NM_001290309.3); c.2027A>T, p.Glu676Val (NM_001290310.3); c.1286A>T, p.Glu429Val (NM_001290312.1, NM_001323987.1, NM_001323988.1 and 16 more transcripts); c.2303A>T, p.Glu768Val (NM_001323986.2); c.947A>T, p.Glu316Val (NM_001324006.1, NM_001324007.1, NM_001324008.1 and 2 more transcripts); c.1193A>T, p.Glu398Val (NM_001324011.1); c.1043A>T, p.Glu348Val (NM_001324012.1, NM_001324013.1); and 1 more; short protein forms E398V, E799V, E316V, E348V, E429V, E696V, E768V, E676V.
Identifiers: ClinVar variation 3667131 (VCV003667131.2).